The following is an entry in ClinVar:

NM_000834.5(GRIN2B):c.3004G>C (p.Gly1002Arg)

Gene: GRIN2B (glutamate ionotropic receptor NMDA type subunit 2B; minus strand). Cytogenetic location: 12p13.1.
Variant type: single nucleotide variant.
Coding change: c.3004G>C on transcript NM_000834.5 (MANE Select); coding-DNA position 3004, G replaced by C.
Protein change: p.Gly1002Arg; replaces glycine 1002 with arginine.
Molecular consequence: missense variant.
Genome position (GRCh38, 1-based): chr12:13,564,234, C>G on the plus strand (G>C on the coding strand, the complement: GRIN2B is on the minus strand). VCF-style: chr12-13564234-C-G. GRCh37 (hg19) VCF-style: chr12-13717168-C-G.
Other names: short protein forms G1002R.
Identifiers: ClinVar variation 1009295 (VCV001009295.12), dbSNP rs761281000, ClinGen allele CA6460955.
Genomic context (GRCh38, chr12:13,564,234, plus strand): 5'-GCTTCTTGCTGATGGACCTGGACTGGGTGGTGAAGGGTGGGTTGTCACAGTCGTAGAGCC[C>G]ATCGATGGAGCTGGCACTGCCAATACTATGGGGCCGGTGGTGATGGTGGTAGTGATCTTG-3'
Protein context (NP_000825.2, residues 992-1012): HSIGSASSID[Gly1002Arg]LYDCDNPPFT

ClinVar aggregate classification (germline): Conflicting classifications of pathogenicity. Review status: criteria provided, conflicting classifications (1 of 4 stars). 4 submissions from 4 submitters: Uncertain significance (2); Likely benign (2). Last evaluated 2026-08-06.

Conditions:
Developmental and epileptic encephalopathy, 27 (DEE27). Also called: GRIN2B-Related Neurodevelopmental Disorder; Epileptic encephalopathy, early infantile, 27. Identifiers: Orphanet 3451, MedGen C4015316, MONDO:0014505, OMIM 616139.
Intellectual developmental disorder, autosomal dominant 6, with or without seizures. Also called: Intellectual disability, autosomal dominant 6; GRIN2B-related developmental delay, intellectual disability and autism spectrum disorder. Identifiers: Orphanet 589547, MedGen C3151411, MONDO:0013509, OMIM 613970.
Inborn genetic diseases. Identifiers: MedGen C0950123, MeSH D030342.

Allele frequency attached by ClinVar (database versions not stated): gnomAD 0.00002 and 0.00001; TOPMed 0.00002.
gnomAD v4.1: 9 of 1,614,154 alleles (0.00056%); highest among the groups gnomAD compares: Middle Eastern, 0.033%; no homozygotes.

Submissions (4):

OLLIN Analises Genomicas, OLLIN
Classification: Uncertain significance. Last evaluated: 2026-08-06. Review status: criteria provided, single submitter. Criteria: ACMG Guidelines 2015 PMID 25741868. Collection method: clinical testing. Allele origin: germline.
Comment: This missense variant, located in exon 14 (of 14), has been reported in ClinVar (accession VCV002938708.3) and in gnomAD with an allele frequency of 0.00056%. However, to our knowledge, it has not been reported in the scientific literature. In silico analysis is inconclusive regarding the impact of this variant. This gene is constrained for missense variation. According to the currently available evidence, this variant has been classified as uncertain significance (PP2, BS2).

Ambry Genetics
Classification: Likely benign for Inborn genetic diseases. Last evaluated: 2025-10-21. Review status: criteria provided, single submitter. Criteria: Ambry Variant Classification Scheme 2023. Collection method: clinical testing. Allele origin: germline.

Labcorp Genetics (formerly Invitae), Labcorp
Classification: Likely benign for Developmental and epileptic encephalopathy, 27; Intellectual developmental disorder, autosomal dominant 6, with or without seizures. Last evaluated: 2025-05-17. Review status: criteria provided, single submitter. Criteria: Invitae Variant Classification Sherloc (09022015). Collection method: clinical testing. Allele origin: germline.

Baylor Genetics
Classification: Uncertain significance for Intellectual developmental disorder, autosomal dominant 6, with or without seizures. Last evaluated: 2019-11-25. Review status: criteria provided, single submitter. Criteria: ACMG Guidelines, 2015. Collection method: clinical testing. Allele origin: unknown. Affected: yes.
Comment: This variant was determined to be of uncertain significance according to ACMG Guidelines, 2015 [PMID:25741868].